The following is an entry in ClinVar:

NM_001875.5(CPS1):c.3358A>T (p.Lys1120Ter)

Gene: CPS1 (carbamoyl-phosphate synthase 1; plus strand). Cytogenetic location: 2q34.
Variant type: single nucleotide variant.
Coding change: c.3358A>T on transcript NM_001875.5 (MANE Select); coding-DNA position 3358, A replaced by T.
Protein change: p.Lys1120Ter; replaces lysine 1120 with a stop codon.
Molecular consequence: nonsense. On other transcripts: non-coding transcript variant (2).
Genome position (GRCh38, 1-based): chr2:210,648,494, A>T. VCF-style: chr2-210648494-A-T. GRCh37 (hg19) VCF-style: chr2-211513218-A-T.
Other names: c.3358A>T, p.Lys1120Ter (NM_001122633.3, NM_001369257.1); c.3391A>T, p.Lys1131Ter (NM_001369256.1); short protein forms K1120*, K1131*.
Identifiers: ClinVar variation 1725969 (VCV001725969.2), dbSNP rs1383652187, ClinGen allele CA350436526.

ClinVar aggregate classification (germline): Likely pathogenic (1 of 4 stars; one submission).

Conditions:
Congenital hyperammonemia, type I. Also called: Carbamoyl phosphate synthetase I deficiency disease; CPS I DEFICIENCY; Carbamoyl phosphate synthetase 1 deficiency; Hyperammonemia due to carbamoyl phosphate synthetase 1 deficiency; CPS 1 deficiency; Carbamyl phosphate synthetase (CPS) deficiency. Identifiers: Orphanet 147, MedGen C4082171, MONDO:0009376, OMIM 237300.

Submission:

Myriad Genetics, Inc.
Classification: Likely pathogenic for Congenital hyperammonemia, type I. Last evaluated: 2022-04-27. Review status: criteria provided, single submitter. Criteria: Myriad Women's Health Autosomal Recessive and X-Linked Classification Criteria (2021). Collection method: clinical testing. Allele origin: unknown.
Comment: NM_001875.4(CPS1):c.3358A>T(K1120*) is expected to be pathogenic in the context of carbamoylphosphate synthetase I deficiency. This variant is predicted to lead to an abnormal or absent protein product due to the creation of a premature termination codon in CPS1, a gene where loss-of-function variants are known to be pathogenic. Please note: this variant was assessed in the context of healthy population screening.